The following is an entry in ClinVar:

NM_032656.4(DHX37):c.1048del (p.Asp350fs)

Gene: DHX37 (DEAH-box helicase 37; minus strand). Cytogenetic location: 12q24.31.
Variant type: Deletion.
Coding change: c.1048del on transcript NM_032656.4 (MANE Select); coding-DNA position 1048, one base deleted (G; older notation c.1048delG).
Protein change: p.Asp350fs; shifts the reading frame from aspartic acid 350.
Molecular consequence: frameshift variant.
Genome position (GRCh38, 1-based): chr12:124,972,532, C deleted on the plus strand (G on the coding strand, the reverse complement: DHX37 is on the minus strand); the first of 2 consecutive C bases (chr12:124,972,532-124,972,533); deleting either gives the same sequence. VCF-style (leftmost placement, unchanged base first): chr12-124972531-TC-T. GRCh37 (hg19) VCF-style: chr12-125457077-TC-T.
Other names: short protein forms D350fs.
Identifiers: ClinVar variation 4070834 (VCV004070834.1).

ClinVar aggregate classification (germline): Uncertain significance (1 of 4 stars; one submission).

Submission:

GeneDx
Classification: Uncertain significance. Last evaluated: 2025-01-16. Review status: criteria provided, single submitter. Criteria: GeneDx Variant Classification Process June 2021. Collection method: clinical testing. Allele origin: germline. Affected: yes.
Comment: Not observed at significant frequency in large population cohorts (gnomAD); Frameshift variant predicted to result in protein truncation or nonsense mediated decay in a gene or region of a gene for which loss of function is not a well-established mechanism of disease; Has not been previously published as pathogenic or benign to our knowledge